The following is an entry in ClinVar:

ClinVar aggregate classification (germline): Uncertain significance. Review status: criteria provided, multiple submitters, no conflicts (2 of 4 stars). 2 submissions from 2 submitters: Uncertain significance (2). Last evaluated 2025-05-24.

Conditions:
Hereditary cancer-predisposing syndrome. Also called: Hereditary Cancer Syndrome; Tumor predisposition; Neoplastic Syndromes, Hereditary; Hereditary neoplastic syndrome. Identifiers: Orphanet 140162, MedGen C0027672, MeSH D009386, MONDO:0015356.
Familial adenomatous polyposis 1 (FAP1). Also called: FAMILIAL ADENOMATOUS POLYPOSIS 1, ATTENUATED; POLYPOSIS, ADENOMATOUS INTESTINAL. Identifiers: MedGen C2713442, MONDO:0021056, OMIM 175100. Disease mechanism: loss of function.

Submissions (2):

Ambry Genetics
Classification: Uncertain significance for Hereditary cancer-predisposing syndrome. Last evaluated: 2025-05-24. Review status: criteria provided, single submitter. Criteria: Ambry Variant Classification Scheme 2023. Collection method: clinical testing. Allele origin: germline.
Comment: The p.V1743M variant (also known as c.5227G>A), located in coding exon 15 of the APC gene, results from a G to A substitution at nucleotide position 5227. The valine at codon 1743 is replaced by methionine, an amino acid with highly similar properties. This amino acid position is conserved. In addition, in silico predictors for this gene do not accurately predict pathogenicity. Based on the available evidence, the clinical significance of this variant remains unclear.

Labcorp Genetics (formerly Invitae), Labcorp
Classification: Uncertain significance for Familial adenomatous polyposis 1. Last evaluated: 2020-05-12. Review status: criteria provided, single submitter. Criteria: Invitae Variant Classification Sherloc (09022015). Collection method: clinical testing. Allele origin: germline.
Comment: This variant has not been reported in the literature in individuals with APC-related conditions. This variant is not present in population databases (ExAC no frequency). This sequence change replaces valine with methionine at codon 1743 of the APC protein (p.Val1743Met). The valine residue is highly conserved and there is a small physicochemical difference between valine and methionine. Algorithms developed to predict the effect of missense changes on protein structure and function are either unavailable or do not agree on the potential impact of this missense change (SIFT: "Deleterious"; PolyPhen-2: "Probably Damaging"; Align-GVGD: "Class C0"). In summary, the available evidence is currently insufficient to determine the role of this variant in disease. Therefore, it has been classified as a Variant of Uncertain Significance.

NM_000038.6(APC):c.5227G>A (p.Val1743Met)

Gene: APC (APC regulator of Wnt signaling pathway; plus strand). Cytogenetic location: 5q22.2.
Variant type: single nucleotide variant.
Coding change: c.5227G>A on transcript NM_000038.6 (MANE Select); coding-DNA position 5227, G replaced by A.
Protein change: p.Val1743Met; replaces valine 1743 with methionine.
Molecular consequence: missense variant.
Genome position (GRCh38, 1-based): chr5:112,840,821, G>A. VCF-style: chr5-112840821-G-A. GRCh37 (hg19) VCF-style: chr5-112176518-G-A.
Other names: c.5227G>A, p.Val1743Met (NM_001127510.3, NM_001354895.2); c.5173G>A, p.Val1725Met (NM_001127511.3); c.5281G>A, p.Val1761Met (NM_001354896.2); c.5257G>A, p.Val1753Met (NM_001354897.2); c.5152G>A, p.Val1718Met (NM_001354898.2); c.5143G>A, p.Val1715Met (NM_001354899.2); c.5104G>A, p.Val1702Met (NM_001354900.2); c.5050G>A, p.Val1684Met (NM_001354901.2); and 6 more; short protein forms V1460M, V1583M, V1617M, V1642M, V1652M, V1684M, V1702M, V1715M.
Identifiers: ClinVar variation 1014500 (VCV001014500.11), dbSNP rs1765888023, ClinGen allele CA16032755.